The following is an entry in ClinVar:

NM_001122630.2(CDKN1C):c.-2C>T

Gene: CDKN1C (cyclin dependent kinase inhibitor 1C; minus strand). Cytogenetic location: 11p15.4.
Variant type: single nucleotide variant.
Coding change: c.-2C>T on transcript NM_001122630.2 (MANE Select); 2 bases upstream of the start codon, C replaced by T.
Molecular consequence: 5 prime UTR variant. On other transcripts: missense variant (2).
Genome position (GRCh38, 1-based): chr11:2,885,458, G>A on the plus strand (C>T on the coding strand, the complement: CDKN1C is on the minus strand). VCF-style: chr11-2885458-G-A. GRCh37 (hg19) VCF-style: chr11-2906688-G-A.
Other names: c.32C>T, p.Thr11Met (NM_000076.2, NM_001362474.2); c.-2C>T (NM_001122631.2, NM_001362475.2); short protein forms T11M.
Identifiers: ClinVar variation 1504492 (VCV001504492.6), dbSNP rs1360488872, ClinGen allele CA379147990.
Genomic context (GRCh38, chr11:2,885,458, plus strand): 5'-CGGCAGGCGCTGGTGCGCACTAGTACTGGGAAGGTCCCACGGGCGACAAGACGCTCCATC[G>A]TGGATGTGCTGCGGAGGGACGCGTCGGACATGGCCCGGGGCTGCGCAAACGCGGGCAGCG-3'

ClinVar aggregate classification (germline): Uncertain significance (1 of 4 stars; one submission).

Conditions:
Beckwith-Wiedemann syndrome (BWS). Also called: EMG SYNDROME; Exomphalos macroglossia gigantism syndrome. Identifiers: Orphanet 116, MedGen C0004903, MONDO:0007534, OMIM 130650.

Allele frequency attached by ClinVar (database versions not stated): gnomAD exomes below 0.00001.
gnomAD v4.1: 6 of 1,546,204 alleles (0.00039%); highest among the groups gnomAD compares: South Asian, 0.0047%; no homozygotes.

Submission:

Labcorp Genetics (formerly Invitae), Labcorp
Classification: Uncertain significance for Beckwith-Wiedemann syndrome. Last evaluated: 2023-05-01. Review status: criteria provided, single submitter. Criteria: Invitae Variant Classification Sherloc (09022015). Collection method: clinical testing. Allele origin: germline.
Comment: In summary, the available evidence is currently insufficient to determine the role of this variant in disease. Therefore, it has been classified as a Variant of Uncertain Significance. An algorithm developed to predict the effect of missense changes on protein structure and function (PolyPhen-2) suggests that this variant is likely to be disruptive. ClinVar contains an entry for this variant (Variation ID: 1504492). This variant has not been reported in the literature in individuals affected with CDKN1C-related conditions. This variant is not present in population databases (gnomAD no frequency). This sequence change replaces threonine, which is neutral and polar, with methionine, which is neutral and non-polar, at codon 11 of the CDKN1C protein (p.Thr11Met).